The following is an entry in ClinVar:

NM_001353345.2(SETD1B):c.2079A>C (p.Pro693=)

Gene: SETD1B (SET domain containing 1B, histone lysine methyltransferase; plus strand). Cytogenetic location: 12q24.31.
Variant type: single nucleotide variant.
Coding change: c.2079A>C on transcript NM_001353345.2 (MANE Select); coding-DNA position 2079, A replaced by C.
Protein change: p.Pro693=; no amino-acid change (proline 693 retained).
Molecular consequence: synonymous variant.
Genome position (GRCh38, 1-based): chr12:121,814,294, A>C. VCF-style: chr12-121814294-A-C. GRCh37 (hg19) VCF-style: chr12-122252200-A-C.
Other names: NM_015048.1:c.2079A>C.
Identifiers: ClinVar variation 3044742 (VCV003044742.4), dbSNP rs774390004, ClinGen allele CA6838932.
Genomic context (GRCh38, chr12:121,814,294, plus strand): 5'-TGTGCTAGCCCCAACCCTGCCGCTGCCCCCGCCACCTGGCTTCCCCCCGCTGCCCCCCCC[A>C]CCACCACCACCCCCACCGCAGCCTGGCTTCCCCATGCCCCCACCGCTGCCCCCACCGCCG-3'
Protein context (NP_001340274.1, residues 683-703): PPPGFPPLPP[Pro693=]PPPPPPQPGF

ClinVar aggregate classification (germline): Benign/Likely benign. Review status: criteria provided, multiple submitters, no conflicts (2 of 4 stars). 2 submissions from 2 submitters: Benign (1); Likely benign (1). Last evaluated 2024-12-30.

Conditions:
SETD1B-related disorder. Also called: SETD1B-related condition.

Allele frequency attached by ClinVar (database versions not stated): 1000 Genomes Project 30x 0.00531; gnomAD exomes 0.01319; gnomAD 0.04825.
gnomAD v4.1: 5,659 of 413,438 alleles (1.4%); highest among the groups gnomAD compares: Non-Finnish European, 1.5%; 25 homozygotes.

Submissions (2):

PreventionGenetics, part of Exact Sciences
Classification: Benign for SETD1B-related condition. Last evaluated: 2024-12-30. Review status: criteria provided, single submitter. Criteria: ACMG Guidelines, 2015. Collection method: clinical testing. Allele origin: germline.
Comment: This variant is classified as benign based on ACMG/AMP sequence variant interpretation guidelines (Richards et al. 2015 PMID: 25741868, with internal and published modifications).

Blueprint Genetics
Classification: Likely benign. Last evaluated: 2024-11-26. Review status: criteria provided, single submitter. Criteria: ACMG Guidelines, 2015. Collection method: clinical testing. Allele origin: germline.